The following is an entry in ClinVar:

NM_182914.3(SYNE2):c.17049T>G (p.Asn5683Lys)

Gene: SYNE2 (spectrin repeat containing nuclear envelope protein 2; plus strand). Cytogenetic location: 14q23.2.
Variant type: single nucleotide variant.
Coding change: c.17049T>G on transcript NM_182914.3 (MANE Select); coding-DNA position 17049, T replaced by G.
Protein change: p.Asn5683Lys; replaces asparagine 5683 with lysine.
Molecular consequence: missense variant.
Genome position (GRCh38, 1-based): chr14:64,170,276, T>G. VCF-style: chr14-64170276-T-G. GRCh37 (hg19) VCF-style: chr14-64636994-T-G.
Other names: c.17049T>G (NM_182914.2); c.17049T>G, p.Asn5683Lys (NM_015180.6); short protein forms N5683K.
Identifiers: ClinVar variation 1429240 (VCV001429240.8), dbSNP rs1163559639, ClinGen allele CA389972697.

ClinVar aggregate classification (germline): Uncertain significance. Review status: criteria provided, multiple submitters, no conflicts (2 of 4 stars). 2 submissions from 2 submitters: Uncertain significance (2). Last evaluated 2025-10-23.

Conditions:
Emery-Dreifuss muscular dystrophy 5, autosomal dominant (EDMD5). Also called: EMERY-DREIFUSS MUSCULAR DYSTROPHY 5. Identifiers: Orphanet 261, MedGen C2751805, MONDO:0013072, OMIM 612999.

Allele frequency attached by ClinVar (database versions not stated): gnomAD exomes 0.00001 and 0.00002.
gnomAD v4.1: 5 of 1,614,140 alleles (0.00031%); highest among the groups gnomAD compares: Admixed American, 0.0083%; no homozygotes.

Submissions (2):

Ambry Genetics
Classification: Uncertain significance. Last evaluated: 2025-10-23. Review status: criteria provided, single submitter. Criteria: Ambry Variant Classification Scheme 2023. Collection method: clinical testing. Allele origin: germline.

Labcorp Genetics (formerly Invitae), Labcorp
Classification: Uncertain significance for Emery-Dreifuss muscular dystrophy 5, autosomal dominant. Last evaluated: 2021-08-03. Review status: criteria provided, single submitter. Criteria: Invitae Variant Classification Sherloc (09022015). Collection method: clinical testing. Allele origin: germline.
Comment: In summary, the available evidence is currently insufficient to determine the role of this variant in disease. Therefore, it has been classified as a Variant of Uncertain Significance. Algorithms developed to predict the effect of missense changes on protein structure and function (SIFT, PolyPhen-2, Align-GVGD) all suggest that this variant is likely to be tolerated. This variant has not been reported in the literature in individuals affected with SYNE2-related conditions. This variant is not present in population databases (ExAC no frequency). This sequence change replaces asparagine with lysine at codon 5683 of the SYNE2 protein (p.Asn5683Lys). The asparagine residue is weakly conserved and there is a moderate physicochemical difference between asparagine and lysine.